The following is an entry in ClinVar:

NM_001148.6(ANK2):c.11059T>C (p.Cys3687Arg)

Gene: ANK2 (ankyrin 2; plus strand). Cytogenetic location: 4q26.
Variant type: single nucleotide variant.
Coding change: c.11059T>C on transcript NM_001148.6 (MANE Select); coding-DNA position 11059, T replaced by C.
Protein change: p.Cys3687Arg; replaces cysteine 3687 with arginine.
Molecular consequence: missense variant.
Genome position (GRCh38, 1-based): chr4:113,367,592, T>C. VCF-style: chr4-113367592-T-C. GRCh37 (hg19) VCF-style: chr4-114288748-T-C.
Other names: c.4777T>C, p.Cys1593Arg (NM_001127493.3); c.4816T>C, p.Cys1606Arg (NM_001354225.2); c.4705T>C, p.Cys1569Arg (NM_001354228.2, NM_001354258.2); c.4783T>C, p.Cys1595Arg (NM_001354230.2); c.4846T>C, p.Cys1616Arg (NM_001354231.2, NM_001354242.2); c.4840T>C, p.Cys1614Arg (NM_001354232.2); c.4801T>C, p.Cys1601Arg (NM_001354235.2, NM_001354246.2, NM_001354265.2); c.4702T>C, p.Cys1568Arg (NM_001354236.2); and 35 more; short protein forms C1474R, C1515R, C1536R, C1548R, C1555R, C1559R, C1617R, C3687R.
Identifiers: ClinVar variation 939723 (VCV000939723.8), dbSNP rs2096584172, ClinGen allele CA357941869.
Genomic context (GRCh38, chr4:113,367,592, plus strand): 5'-CTTCAACTAAATACTTAAATCATTCTGCCTTTAGGGTTCTCGGTACTTCAAGAGGAGTTA[T>C]GCACTGCACAGCACAAGCAGAAAGAGGAGCAAGCTGTTTCTAAAGAAAGTGAGACCTGCG-3'
Protein context (NP_001139.3, residues 3677-3697): EGFSVLQEEL[Cys3687Arg]TAQHKQKEEQ

ClinVar aggregate classification (germline): Uncertain significance. Review status: criteria provided, multiple submitters, no conflicts (2 of 4 stars). 3 submissions from 3 submitters: Uncertain significance (3). Last evaluated 2025-08-03.

Conditions:
Cardiovascular phenotype. Identifiers: MedGen CN230736.
Long QT syndrome (LQTS). Identifiers: MedGen C0023976, MeSH D008133, MONDO:0002442. Disease mechanism: loss of function. Inheritance: Various modes of inheritance.

Allele frequency attached by ClinVar (database versions not stated): gnomAD 0.00001.
gnomAD v4.1: 1 of 1,613,838 alleles (0.000062%); highest among the groups gnomAD compares: African/African-American, 0.0013%; no homozygotes.

Submissions (3):

Ambry Genetics
Classification: Uncertain significance for Cardiovascular phenotype. Last evaluated: 2025-08-03. Review status: criteria provided, single submitter. Criteria: Ambry Variant Classification Scheme 2023. Collection method: clinical testing. Allele origin: germline.
Comment: The p.C3687R variant (also known as c.11059T>C), located in coding exon 42 of the ANK2 gene, results from a T to C substitution at nucleotide position 11059. The cysteine at codon 3687 is replaced by arginine, an amino acid with highly dissimilar properties. This amino acid position is conserved. In addition, the in silico prediction for this alteration is inconclusive. Based on the available evidence, the clinical significance of this variant remains unclear.

GeneDx
Classification: Uncertain significance. Last evaluated: 2022-10-27. Review status: criteria provided, single submitter. Criteria: GeneDx Variant Classification Process June 2021. Collection method: clinical testing. Allele origin: germline. Affected: yes.
Comment: Not observed at significant frequency in large population cohorts (gnomAD); In silico analysis supports that this missense variant has a deleterious effect on protein structure/function; Has not been previously published as pathogenic or benign to our knowledge

Labcorp Genetics (formerly Invitae), Labcorp
Classification: Uncertain significance for Long QT syndrome. Last evaluated: 2019-06-07. Review status: criteria provided, single submitter. Criteria: Invitae Variant Classification Sherloc (09022015). Collection method: clinical testing. Allele origin: germline.
Comment: In summary, the available evidence is currently insufficient to determine the role of this variant in disease. Therefore, it has been classified as a Variant of Uncertain Significance. Algorithms developed to predict the effect of missense changes on protein structure and function (SIFT, PolyPhen-2, Align-GVGD) all suggest that this variant is likely to be tolerated, but these predictions have not been confirmed by published functional studies and their clinical significance is uncertain. This variant has not been reported in the literature in individuals with ANK2-related conditions. This variant is not present in population databases (ExAC no frequency). This sequence change replaces cysteine with arginine at codon 3687 of the ANK2 protein (p.Cys3687Arg). The cysteine residue is moderately conserved and there is a large physicochemical difference between cysteine and arginine.